The following is an entry in ClinVar:

NM_002471.4(MYH6):c.4946A>G (p.Gln1649Arg)

Genes: MYH6 (myosin heavy chain 6; minus strand), LOC126861896 (BRD4-independent group 4 enhancer GRCh37_chr14:23854904-23856103; plus strand). Cytogenetic location: 14q11.2.
Variant type: single nucleotide variant.
Coding change: c.4946A>G on transcript NM_002471.4 (MANE Select); coding-DNA position 4946, A replaced by G.
Protein change: p.Gln1649Arg; replaces glutamine 1649 with arginine.
Molecular consequence: missense variant.
Genome position (GRCh38, 1-based): chr14:23,386,328, T>C on the plus strand (A>G on the coding strand, the complement: MYH6 is on the minus strand). VCF-style: chr14-23386328-T-C. GRCh37 (hg19) VCF-style: chr14-23855537-T-C.
Other names: short protein forms Q1649R.
Identifiers: ClinVar variation 2567202 (VCV002567202.2), dbSNP rs1219000315, ClinGen allele CA388990918.

ClinVar aggregate classification (germline): Uncertain significance (1 of 4 stars; one submission).

Conditions:
Cardiovascular phenotype. Identifiers: MedGen CN230736.

Allele frequency attached by ClinVar (database versions not stated): TOPMed below 0.00001; gnomAD 0.00001.

Submission:

Ambry Genetics
Classification: Uncertain significance for Cardiovascular phenotype. Last evaluated: 2023-04-05. Review status: criteria provided, single submitter. Criteria: Ambry Variant Classification Scheme 2023. Collection method: clinical testing. Allele origin: germline.
Comment: The p.Q1649R variant (also known as c.4946A>G), located in coding exon 31 of the MYH6 gene, results from an A to G substitution at nucleotide position 4946. The glutamine at codon 1649 is replaced by arginine, an amino acid with highly similar properties. This amino acid position is conserved. In addition, the in silico prediction for this alteration is inconclusive. Since supporting evidence is limited at this time, the clinical significance of this alteration remains unclear.